The following is an entry in ClinVar:

NM_000358.3(TGFBI):c.1950G>A (p.Ala650=)

Gene: TGFBI (transforming growth factor beta induced; plus strand). Cytogenetic location: 5q31.1.
Variant type: single nucleotide variant.
Coding change: c.1950G>A on transcript NM_000358.3 (MANE Select); coding-DNA position 1950, G replaced by A.
Protein change: p.Ala650=; no amino-acid change (alanine 650 retained).
Molecular consequence: synonymous variant.
Genome position (GRCh38, 1-based): chr5:136,061,543, G>A. VCF-style: chr5-136061543-G-A. GRCh37 (hg19) VCF-style: chr5-135397232-G-A.
Identifiers: ClinVar variation 3034074 (VCV003034074.2), dbSNP rs570146042, ClinGen allele CA3420588.

ClinVar aggregate classification (germline): Likely benign (0 of 4 stars; one submission).

Conditions:
TGFBI-related disorder. Also called: TGFBI-related condition.

Allele frequency attached by ClinVar (database versions not stated): TOPMed 0.00003; ExAC 0.00005; gnomAD 0.00005; 1000 Genomes Project 0.00020; 1000 Genomes Project 30x 0.00031.

Submission:

PreventionGenetics, part of Exact Sciences
Classification: Likely benign for TGFBI-related condition. Last evaluated: 2019-06-13. Review status: no assertion criteria provided. Collection method: clinical testing. Allele origin: germline.
Comment: This variant is classified as likely benign based on ACMG/AMP sequence variant interpretation guidelines (Richards et al. 2015 PMID: 25741868, with internal and published modifications).